The following is an entry in ClinVar:

NM_020738.4(KIDINS220):c.4393G>A (p.Val1465Ile)

Gene: KIDINS220 (kinase D interacting substrate 220; minus strand). Cytogenetic location: 2p25.1.
Variant type: single nucleotide variant.
Coding change: c.4393G>A on transcript NM_020738.4 (MANE Select); coding-DNA position 4393, G replaced by A.
Protein change: p.Val1465Ile; replaces valine 1465 with isoleucine.
Molecular consequence: missense variant. On other transcripts: intron variant (6).
Genome position (GRCh38, 1-based): chr2:8,731,643, C>T on the plus strand (G>A on the coding strand, the complement: KIDINS220 is on the minus strand). VCF-style: chr2-8731643-C-T. GRCh37 (hg19) VCF-style: chr2-8871773-C-T.
Other names: c.4336G>A, p.Val1446Ile (NM_001348732.2); c.4225G>A, p.Val1409Ile (NM_001348734.2); c.4222G>A, p.Val1408Ile (NM_001348735.2); c.4096G>A, p.Val1366Ile (NM_001348736.2); c.3882+1801G>A (NM_001348741.2, NM_001348742.2, NM_001348743.2); c.3996+1801G>A (NM_001348738.2); c.3885+1801G>A (NM_001348739.2, NM_001348740.2); c.4396G>A, p.Val1466Ile (NM_001348729.2); and 1 more; short protein forms V1366I, V1465I, V1409I, V1446I, V1447I, V1466I, V1408I.
Identifiers: ClinVar variation 2972139 (VCV002972139.3), dbSNP rs530238897, ClinGen allele CA1519370.

ClinVar aggregate classification (germline): Uncertain significance (1 of 4 stars; one submission).

Allele frequency attached by ClinVar (database versions not stated): gnomAD 0.00001; ExAC 0.00007; 1000 Genomes Project 30x 0.00016; 1000 Genomes Project 0.00020.
gnomAD v4.1: 33 of 1,614,136 alleles (0.002%); highest among the groups gnomAD compares: South Asian, 0.031%; no homozygotes.

Submission:

Labcorp Genetics (formerly Invitae), Labcorp
Classification: Uncertain significance. Last evaluated: 2022-12-08. Review status: criteria provided, single submitter. Criteria: Invitae Variant Classification Sherloc (09022015). Collection method: clinical testing. Allele origin: germline.
Comment: This sequence change replaces valine, which is neutral and non-polar, with isoleucine, which is neutral and non-polar, at codon 1465 of the KIDINS220 protein (p.Val1465Ile). This variant is present in population databases (rs530238897, gnomAD 0.04%). This variant has not been reported in the literature in individuals affected with KIDINS220-related conditions. Algorithms developed to predict the effect of missense changes on protein structure and function (SIFT, PolyPhen-2, Align-GVGD) all suggest that this variant is likely to be tolerated. In summary, the available evidence is currently insufficient to determine the role of this variant in disease. Therefore, it has been classified as a Variant of Uncertain Significance.